The following is an entry in ClinVar:

ClinVar aggregate classification (germline): Uncertain significance. Review status: criteria provided, multiple submitters, no conflicts (2 of 4 stars). 2 submissions from 2 submitters: Uncertain significance (2). Last evaluated 2023-09-18.

Conditions:
Cardiovascular phenotype. Identifiers: MedGen CN230736.
Distal myopathy with posterior leg and anterior hand involvement. Also called: WILLIAMS DISTAL MYOPATHY. Identifiers: Orphanet 63273, MedGen C3279722, MONDO:0013550, OMIM 614065.
Hypertrophic cardiomyopathy 26. Also called: Cardiomyopathy, familial hypertrophic, 26. Identifiers: Orphanet 75249, MedGen C4310749, MONDO:0014883, OMIM 617047.
Myofibrillar myopathy 5. Also called: Filaminopathy (type); FILAMINOPATHY, AUTOSOMAL DOMINANT. Identifiers: Orphanet 171445, MedGen C1836050, MONDO:0012289, OMIM 609524.

Allele frequency attached by ClinVar (database versions not stated): gnomAD exomes below 0.00001.
gnomAD v4.1: 5 of 1,614,128 alleles (0.00031%); highest among the groups gnomAD compares: African/African-American, 0.0013%; no homozygotes.

Submissions (2):

Labcorp Genetics (formerly Invitae), Labcorp
Classification: Uncertain significance for Distal myopathy with posterior leg and anterior hand involvement; Myofibrillar myopathy 5; Hypertrophic cardiomyopathy 26. Last evaluated: 2023-09-18. Review status: criteria provided, single submitter. Criteria: Invitae Variant Classification Sherloc (09022015). Collection method: clinical testing. Allele origin: germline.
Comment: This variant is not present in population databases (gnomAD no frequency). This variant has not been reported in the literature in individuals affected with FLNC-related conditions. ClinVar contains an entry for this variant (Variation ID: 1741875). Advanced modeling of protein sequence and biophysical properties (such as structural, functional, and spatial information, amino acid conservation, physicochemical variation, residue mobility, and thermodynamic stability) has been performed at Invitae for this missense variant, however the output from this modeling did not meet the statistical confidence thresholds required to predict the impact of this variant on FLNC protein function. In summary, the available evidence is currently insufficient to determine the role of this variant in disease. Therefore, it has been classified as a Variant of Uncertain Significance. This sequence change replaces glutamic acid, which is acidic and polar, with lysine, which is basic and polar, at codon 154 of the FLNC protein (p.Glu154Lys).

Ambry Genetics
Classification: Uncertain significance for Cardiovascular phenotype. Last evaluated: 2021-12-08. Review status: criteria provided, single submitter. Criteria: Ambry Variant Classification Scheme 2023. Collection method: clinical testing. Allele origin: germline.
Comment: The p.E154K variant (also known as c.460G>A), located in coding exon 2 of the FLNC gene, results from a G to A substitution at nucleotide position 460. The glutamic acid at codon 154 is replaced by lysine, an amino acid with similar properties. This amino acid position is conserved. In addition, this alteration is predicted to be tolerated by in silico analysis. Since supporting evidence is limited at this time, the clinical significance of this alteration remains unclear.

NM_001458.5(FLNC):c.460G>A (p.Glu154Lys)

Gene: FLNC (filamin C; plus strand). Cytogenetic location: 7q32.1.
Variant type: single nucleotide variant.
Coding change: c.460G>A on transcript NM_001458.5 (MANE Select); coding-DNA position 460, G replaced by A.
Protein change: p.Glu154Lys; replaces glutamic acid 154 with lysine.
Molecular consequence: missense variant.
Genome position (GRCh38, 1-based): chr7:128,835,433, G>A. VCF-style: chr7-128835433-G-A. GRCh37 (hg19) VCF-style: chr7-128475487-G-A.
Other names: c.460G>A, p.Glu154Lys (NM_001127487.2); short protein forms E154K.
Identifiers: ClinVar variation 1741875 (VCV001741875.5), dbSNP rs2536614617, ClinGen allele CA369219250.